The following is an entry in ClinVar:

NM_017654.4(SAMD9):c.2284G>T (p.Val762Leu)

Gene: SAMD9 (sterile alpha motif domain containing 9; minus strand). Cytogenetic location: 7q21.2.
Variant type: single nucleotide variant.
Coding change: c.2284G>T on transcript NM_017654.4 (MANE Select); coding-DNA position 2284, G replaced by T.
Protein change: p.Val762Leu; replaces valine 762 with leucine.
Molecular consequence: missense variant.
Genome position (GRCh38, 1-based): chr7:93,103,814, C>A on the plus strand (G>T on the coding strand, the complement: SAMD9 is on the minus strand). VCF-style: chr7-93103814-C-A. GRCh37 (hg19) VCF-style: chr7-92733127-C-A.
Other names: c.2284G>T, p.Val762Leu (NM_001193307.2); short protein forms V762L.
Identifiers: ClinVar variation 4991602 (VCV004991602.1).
Genomic context (GRCh38, chr7:93,103,814, plus strand): 5'-TGATTAAACTGGTTACCTGTTCTCCAATTTCAGAAAAATCCACTGTCTTGTTTTTCAGCA[C>A]AGCACATCTGAATTTCTTCCTTAGTTCCCAGAGAATGTGCATAGCCAAGGTAGTTCCCCC-3'
Protein context (NP_060124.2, residues 752-772): WELRKKFRCA[Val762Leu]LKNKTVDFSE

ClinVar aggregate classification (germline): Uncertain significance (1 of 4 stars; one submission).

Conditions:
SAMD9-related disorder. Also called: SAMD9-related condition.

Submission:

PreventionGenetics, part of Exact Sciences
Classification: Uncertain significance for SAMD9-related condition. Last evaluated: 2025-12-12. Review status: criteria provided, single submitter. Criteria: ACMG Guidelines, 2015. Collection method: clinical testing. Allele origin: germline.
Comment: The SAMD9 c.2284G>T variant is predicted to result in the amino acid substitution p.Val762Leu. To our knowledge, this variant has not been reported in the literature or in a large population database (gnomAD), indicating this variant is rare. At this time, the clinical significance of this variant is uncertain due to the absence of conclusive functional and genetic evidence.